The following is an entry in ClinVar:

NM_017882.3(CLN6):c.190A>G (p.Ile64Val)

Gene: CLN6 (CLN6 transmembrane ER protein; minus strand). Cytogenetic location: 15q23.
Variant type: single nucleotide variant.
Coding change: c.190A>G on transcript NM_017882.3 (MANE Select); coding-DNA position 190, A replaced by G.
Protein change: p.Ile64Val; replaces isoleucine 64 with valine.
Molecular consequence: missense variant.
Genome position (GRCh38, 1-based): chr15:68,218,544, T>C on the plus strand (A>G on the coding strand, the complement: CLN6 is on the minus strand). VCF-style: chr15-68218544-T-C. GRCh37 (hg19) VCF-style: chr15-68510882-T-C.
Other names: c.286A>G, p.Ile96Val (NM_001411068.1); short protein forms I64V, I96V.
Identifiers: ClinVar variation 1782468 (VCV001782468.4), dbSNP rs766280255, ClinGen allele CA7630696.

ClinVar aggregate classification (germline): Uncertain significance. Review status: criteria provided, multiple submitters, no conflicts (2 of 4 stars). 2 submissions from 2 submitters: Uncertain significance (2). Last evaluated 2021-08-28.

Conditions:
Inborn genetic diseases. Identifiers: MedGen C0950123, MeSH D030342.
Neuronal ceroid lipofuscinosis. Also called: Neuronal Ceroid Lipofuscinoses. Identifiers: Orphanet 216, Orphanet 79263, MedGen C0027877, MONDO:0016295. Disease mechanism: loss of function.

Allele frequency attached by ClinVar (database versions not stated): ExAC 0.00001; gnomAD 0.00001; gnomAD exomes 0.00001; TOPMed 0.00001.
gnomAD v4.1: 11 of 1,612,274 alleles (0.00068%); highest among the groups gnomAD compares: East Asian, 0.0022%; no homozygotes.

Submissions (2):

Labcorp Genetics (formerly Invitae), Labcorp
Classification: Uncertain significance for Neuronal ceroid lipofuscinosis. Last evaluated: 2021-08-28. Review status: criteria provided, single submitter. Criteria: Invitae Variant Classification Sherloc (09022015). Collection method: clinical testing. Allele origin: germline.
Comment: This sequence change replaces isoleucine with valine at codon 64 of the CLN6 protein (p.Ile64Val). The isoleucine residue is highly conserved and there is a small physicochemical difference between isoleucine and valine. This variant is present in population databases (rs766280255, ExAC 0.01%). This variant has not been reported in the literature in individuals affected with CLN6-related conditions. Algorithms developed to predict the effect of missense changes on protein structure and function are either unavailable or do not agree on the potential impact of this missense change (SIFT: "Deleterious"; PolyPhen-2: "Benign"; Align-GVGD: "Class C25"). In summary, the available evidence is currently insufficient to determine the role of this variant in disease. Therefore, it has been classified as a Variant of Uncertain Significance.

Ambry Genetics
Classification: Uncertain significance for Inborn genetic diseases. Last evaluated: 2021-01-05. Review status: criteria provided, single submitter. Criteria: Ambry Variant Classification Scheme 2023. Collection method: clinical testing. Allele origin: germline.
Comment: The c.190A>G (p.I64V) alteration is located in exon 2 (coding exon 2) of the CLN6 gene. This alteration results from a A to G substitution at nucleotide position 190, causing the isoleucine (I) at amino acid position 64 to be replaced by a valine (V). The p.I64V alteration is predicted to be tolerated by in silico analysis. Based on insufficient or conflicting evidence, the clinical significance of this alteration remains unclear.